The following is an entry in ClinVar:

NM_002894.3(RBBP8):c.709+12dup

Gene: RBBP8 (RB binding protein 8, endonuclease; plus strand). Cytogenetic location: 18q11.2.
Variant type: Duplication.
Coding change: c.709+12dup on transcript NM_002894.3 (MANE Select); 12 bases into the intron after coding-DNA position 709, one base duplicated (A; older notation c.709+12dupA).
Molecular consequence: intron variant.
Genome position (GRCh38, 1-based): chr18:22,985,002, A duplicated. VCF-style (leftmost placement, unchanged base first): chr18-22985001-T-TA. GRCh37 (hg19) VCF-style: chr18-20564964-T-TA.
Other names: c.709+12dup (NM_203292.2, NM_203291.2); c.709+12dupA (NM_002894.2).
Identifiers: ClinVar variation 509855 (VCV000509855.1), dbSNP rs1555641605, ClinGen allele CA658799011.

ClinVar aggregate classification (germline): Likely benign (1 of 4 stars; one submission).

Submission:

GeneDx
Classification: Likely benign. Last evaluated: 2017-06-06. Review status: criteria provided, single submitter. Criteria: GeneDx Variant Classification (06012015). Collection method: clinical testing. Allele origin: germline. Affected: yes.
Comment: This variant is considered likely benign or benign based on one or more of the following criteria: it is a conservative change, it occurs at a poorly conserved position in the protein, it is predicted to be benign by multiple in silico algorithms, and/or has population frequency not consistent with disease.